The following is an entry in ClinVar:

ClinVar aggregate classification (germline): Benign (1 of 4 stars; one submission).

Conditions:
Pulmonary hypertension, primary, 1 (PPH1). Also called: Pulmonary hypertension, familial primary, 1, with or without HHT. Identifiers: Orphanet 422, MedGen C4552070, MONDO:0024533, OMIM 178600.

Allele frequency attached by ClinVar (database versions not stated): 1000 Genomes Project 30x 0.00078; gnomAD 0.00161 and 0.00160; TOPMed 0.00105; 1000 Genomes Project 0.00080.

Submission:

Illumina Laboratory Services, Illumina
Classification: Benign for Pulmonary hypertension, primary, 1. Last evaluated: 2018-01-12. Review status: criteria provided, single submitter. Criteria: ICSL Variant Classification Criteria 13 December 2019. Collection method: clinical testing. Allele origin: germline.
Comment: This variant was observed in the ICSL laboratory as part of a predisposition screen in an ostensibly healthy population. It had not been previously curated by ICSL or reported in the Human Gene Mutation Database (HGMD: prior to June 1st, 2018), and was therefore a candidate for classification through an automated scoring system. Utilizing variant allele frequency, disease prevalence and penetrance estimates, and inheritance mode, an automated score was calculated to assess if this variant is too frequent to cause the disease. Based on the score and internal cut-off values, a variant classified as benign is not then subjected to further curation. The score for this variant resulted in a classification of benign for this disease.

NM_001204.7(BMPR2):c.*5044A>G

Gene: BMPR2 (bone morphogenetic protein receptor type 2; plus strand). Cytogenetic location: 2q33.2.
Variant type: single nucleotide variant.
Coding change: c.*5044A>G on transcript NM_001204.7 (MANE Select); 5044 bases downstream of the stop codon, A replaced by G.
Molecular consequence: 3 prime UTR variant.
Genome position (GRCh38, 1-based): chr2:202,564,990, A>G. VCF-style: chr2-202564990-A-G. GRCh37 (hg19) VCF-style: chr2-203429713-A-G.
Other names: c.*5044A>G (LRG_712t1).
Identifiers: ClinVar variation 333703 (VCV000333703.5), dbSNP rs563710461, ClinGen allele CA10612532.